The following is an entry in ClinVar:

ClinVar aggregate classification (germline): Uncertain significance. Review status: criteria provided, multiple submitters, no conflicts (2 of 4 stars). 5 submissions from 5 submitters: Uncertain significance (5). Last evaluated 2025-07-22.

Conditions:
Heterotopia, periventricular, X-linked dominant (PVNH1). Also called: PERIVENTRICULAR NODULAR HETEROTOPIA 1; X-linked periventricular heterotopia; PERIVENTRICULAR NODULAR HETEROTOPIA 4; HETEROTOPIA, PERIVENTRICULAR, 1. Identifiers: Orphanet 2149, Orphanet 82004, MedGen C1848213, MONDO:0010233, OMIM 300049.
Oto-palato-digital syndrome, type II (OPD2). Also called: FACIOPALATOOSSEOUS SYNDROME; OPD II SYNDROME; Otopalatodigital Syndrome Type 2 (FLNA-OPD2); Otopalatodigital Syndrome, Type II. Identifiers: Orphanet 669, Orphanet 90652, MedGen C1844696, MONDO:0010571, OMIM 304120.
Frontometaphyseal dysplasia (FMD1). Identifiers: Orphanet 1826, MedGen C0265293, MONDO:0015942.
Melnick-Needles syndrome (MNS). Also called: MELNICK-NEEDLES OSTEODYSPLASTY; OSTEODYSPLASTY OF MELNICK AND NEEDLES; Melnick-Needles Syndrome (FLNA-MNS). Identifiers: Orphanet 2484, MedGen C0025237, MONDO:0010650, OMIM 309350.
Familial thoracic aortic aneurysm and aortic dissection (TAAD). Also called: Thoracic aortic aneurysms and dissections. Identifiers: Orphanet 91387, MedGen C4707243, MONDO:0019625.

gnomAD v4.1: 1 of 1,211,607 alleles (0.000083%); no homozygotes.

Submissions (5):

ARUP Laboratories, Molecular Genetics and Genomics, ARUP Laboratories
Classification: Uncertain significance. Last evaluated: 2025-07-22. Review status: criteria provided, single submitter. Criteria: ARUP Molecular Germline Variant Investigation Process 2024. Collection method: clinical testing. Allele origin: germline.
Comment: The FLNA c.4438G>A; p.Val1480Met variant, to our knowledge, is not reported in the literature in individuals affected with FLNA-related disorders but is reported in ClinVar (Variation ID: 1711993). This variant is absent from the Genome Aggregation Database (v2.1.1), indicating it is not a common polymorphism. Computational analyses are uncertain whether this variant is neutral or deleterious (REVEL: 0.224). Due to limited information, the clinical significance of this variant is uncertain at this time.

GeneDx
Classification: Uncertain significance. Last evaluated: 2025-04-21. Review status: criteria provided, single submitter. Criteria: GeneDx Variant Classification Process June 2021. Collection method: clinical testing. Allele origin: germline. Affected: yes.
Comment: In silico analysis indicates that this missense variant does not alter protein structure/function; Has not been previously published as pathogenic or benign to our knowledge

Revvity Omics, Revvity
Classification: Uncertain significance. Last evaluated: 2024-10-21. Review status: criteria provided, single submitter. Criteria: ACMG Guidelines, 2015. Collection method: clinical testing. Allele origin: germline.

Ambry Genetics
Classification: Uncertain significance for Familial thoracic aortic aneurysm and aortic dissection. Last evaluated: 2023-04-21. Review status: criteria provided, single submitter. Criteria: Ambry Variant Classification Scheme 2023. Collection method: clinical testing. Allele origin: germline.

Labcorp Genetics (formerly Invitae), Labcorp
Classification: Uncertain significance for Oto-palato-digital syndrome, type II; Heterotopia, periventricular, X-linked dominant; Frontometaphyseal dysplasia; Melnick-Needles syndrome. Last evaluated: 2022-11-16. Review status: criteria provided, single submitter. Criteria: Invitae Variant Classification Sherloc (09022015). Collection method: clinical testing. Allele origin: germline.
Comment: In summary, the available evidence is currently insufficient to determine the role of this variant in disease. Therefore, it has been classified as a Variant of Uncertain Significance. Advanced modeling of protein sequence and biophysical properties (such as structural, functional, and spatial information, amino acid conservation, physicochemical variation, residue mobility, and thermodynamic stability) performed at Invitae indicates that this missense variant is not expected to disrupt FLNA protein function. ClinVar contains an entry for this variant (Variation ID: 1711993). This variant has not been reported in the literature in individuals affected with FLNA-related conditions. This variant is not present in population databases (gnomAD no frequency). This sequence change replaces valine, which is neutral and non-polar, with methionine, which is neutral and non-polar, at codon 1480 of the FLNA protein (p.Val1480Met).

NM_001110556.2(FLNA):c.4438G>A (p.Val1480Met)

Gene: FLNA (filamin A; minus strand). Cytogenetic location: Xq28.
Variant type: single nucleotide variant.
Coding change: c.4438G>A on transcript NM_001110556.2 (MANE Select); coding-DNA position 4438, G replaced by A.
Protein change: p.Val1480Met; replaces valine 1480 with methionine.
Molecular consequence: missense variant.
Genome position (GRCh38, 1-based): chrX:154,359,020, C>T on the plus strand (G>A on the coding strand, the complement: FLNA is on the minus strand). VCF-style: chrX-154359020-C-T. GRCh37 (hg19) VCF-style: chrX-153587388-C-T.
Other names: c.4438G>A, p.Val1480Met (NM_001456.4); short protein forms V1480M.
Identifiers: ClinVar variation 1711993 (VCV001711993.10), dbSNP rs2522737153, ClinGen allele CA415216335.